The following is an entry in ClinVar:

ClinVar aggregate classification (germline): Uncertain significance (1 of 4 stars; one submission).

Conditions:
Epidermolysis bullosa simplex 5B, with muscular dystrophy (EBS5B). Also called: Epidermolysis bullosa simplex with muscular dystrophy; EPIDERMOLYSIS BULLOSA SIMPLEX AND LIMB-GIRDLE MUSCULAR DYSTROPHY. Identifiers: Orphanet 257, MedGen C2931072, MONDO:0009181, OMIM 226670.
Epidermolysis bullosa simplex 5C, with pyloric atresia (EBS5C). Also called: Epidermolysis bullosa simplex with pyloric atresia; PLEC-Related Epidermolysis Bullosa with Pyloric Atresia; PLEC1-Related Epidermolysis Bullosa with Pyloric Atresia. Identifiers: Orphanet 158684, MedGen C2677349, MONDO:0012807, OMIM 612138.
Epidermolysis bullosa simplex with nail dystrophy (EBS5D). Identifiers: MedGen C4225309, MONDO:0014661, OMIM 616487.
Autosomal recessive limb-girdle muscular dystrophy type 2Q (LGMDR17). Also called: MUSCULAR DYSTROPHY, LIMB-GIRDLE, AUTOSOMAL RECESSIVE 17. Identifiers: Orphanet 254361, MedGen C3150989, MONDO:0013390, OMIM 613723.
Epidermolysis bullosa simplex, Ogna type (EBS5A). Also called: Pidermolysis bullosa simplex 5A, Ogna type; EPIDERMOLYSIS BULLOSA SIMPLEX 5A, OGNA TYPE. Identifiers: Orphanet 79401, MedGen C0432317, MONDO:0007555, OMIM 131950.

Allele frequency attached by ClinVar (database versions not stated): gnomAD exomes below 0.00001.

Submission:

Labcorp Genetics (formerly Invitae), Labcorp
Classification: Uncertain significance for Autosomal recessive limb-girdle muscular dystrophy type 2Q; Epidermolysis bullosa simplex, Ogna type; Epidermolysis bullosa simplex with nail dystrophy; Epidermolysis bullosa simplex 5C, with pyloric atresia; Epidermolysis bullosa simplex 5B, with muscular dystrophy. Last evaluated: 2022-09-01. Review status: criteria provided, single submitter. Criteria: Invitae Variant Classification Sherloc (09022015). Collection method: clinical testing. Allele origin: germline.
Comment: This sequence change replaces glutamic acid, which is acidic and polar, with glutamine, which is neutral and polar, at codon 2687 of the PLEC protein (p.Glu2687Gln). This variant is present in population databases (no rsID available, gnomAD 0.001%). This variant has not been reported in the literature in individuals affected with PLEC-related conditions. ClinVar contains an entry for this variant (Variation ID: 1354989). Algorithms developed to predict the effect of missense changes on protein structure and function are either unavailable or do not agree on the potential impact of this missense change (SIFT: "Deleterious"; PolyPhen-2: "Benign"; Align-GVGD: "Class C0"). In summary, the available evidence is currently insufficient to determine the role of this variant in disease. Therefore, it has been classified as a Variant of Uncertain Significance.

NM_201384.3(PLEC):c.7978G>C (p.Glu2660Gln)

Gene: PLEC (plectin; minus strand). Cytogenetic location: 8q24.3.
Variant type: single nucleotide variant.
Coding change: c.7978G>C on transcript NM_201384.3 (MANE Select); coding-DNA position 7978, G replaced by C.
Protein change: p.Glu2660Gln; replaces glutamic acid 2660 with glutamine.
Molecular consequence: missense variant.
Genome position (GRCh38, 1-based): chr8:143,921,843, C>G on the plus strand (G>C on the coding strand, the complement: PLEC is on the minus strand). VCF-style: chr8-143921843-C-G. GRCh37 (hg19) VCF-style: chr8-144996011-C-G.
Other names: c.8059G>C, p.Glu2687Gln (NM_000445.5); c.7936G>C, p.Glu2646Gln (NM_201378.4); c.7912G>C, p.Glu2638Gln (NM_201379.3); c.8389G>C, p.Glu2797Gln (NM_201380.4); c.7882G>C, p.Glu2628Gln (NM_201381.3); c.7978G>C, p.Glu2660Gln (NM_201382.4); c.7990G>C, p.Glu2664Gln (NM_201383.3); short protein forms E2638Q, E2687Q, E2797Q, E2646Q, E2660Q, E2628Q, E2664Q.
Identifiers: ClinVar variation 1354989 (VCV001354989.6), dbSNP rs1554687363, ClinGen allele CA372520667.
Genomic context (GRCh38, chr8:143,921,843, plus strand): 5'-CCACCGTGGTGTGGCCCTGCGCCAACCGCTGCAGCTCCTCCGCACTCAGGATGCCGGCCT[C>G]CTGCAGCCTCTGAGCTGACACCTTCCGCCGCAGGCCATCGAAGCTGTGCTCCGGCTCTGC-3'
Protein context (NP_958786.1, residues 2650-2670): RRKVSAQRLQ[Glu2660Gln]AGILSAEELQ